The following is an entry in ClinVar:

ClinVar aggregate classification (germline): Likely pathogenic (0 of 4 stars; one submission).

Conditions:
Gray platelet syndrome (GPS). Also called: BLEEDING DISORDER, PLATELET-TYPE, 4. Identifiers: Orphanet 721, MedGen C0272302, MONDO:0007686, OMIM 139090.

Submission:

ISTH-SSC Genomics in Thrombosis and Hemostasis, KU Leuven, Center for Molecular and Vascular Biology
Classification: Likely pathogenic for Gray platelet syndrome. Review status: no assertion criteria provided. Collection method: research. Allele origin: unknown. Affected: yes.
Comment: Submitted to GoldVariant by Neil Morgan from Birmingham Platelet Group, Birmingham, UK

NM_015175.3(NBEAL2):c.1376del (p.Leu459fs)

Gene: NBEAL2 (neurobeachin like 2; plus strand). Cytogenetic location: 3p21.31.
Variant type: Deletion.
Coding change: c.1376del on transcript NM_015175.3 (MANE Select); coding-DNA position 1376, one base deleted (T; older notation c.1376delT).
Protein change: p.Leu459fs; shifts the reading frame from leucine 459.
Molecular consequence: frameshift variant.
Genome position (GRCh38, 1-based): chr3:46,995,111, T deleted. VCF-style (leftmost placement, unchanged base first): chr3-46995110-CT-C. GRCh37 (hg19) VCF-style: chr3-47036600-CT-C.
Other names: c.1376delT (NM_015175.3); c.1274del, p.Leu425fs (NM_001365116.2); short protein forms L425fs, L459fs.
Identifiers: ClinVar variation 1684437 (VCV001684437.1), dbSNP rs2107337553, ClinGen allele CA2573137057.